The following is an entry in ClinVar:

ClinVar aggregate classification (germline): Benign. Review status: criteria provided, multiple submitters, no conflicts (2 of 4 stars). 2 submissions from 2 submitters: Benign (2). Last evaluated 2018-01-13.

Conditions:
Dihydropteridine reductase deficiency (HPABH4C). Also called: HYPERPHENYLALANINEMIA, TETRAHYDROBIOPTERIN-DEFICIENT, DUE TO DHPR DEFICIENCY; BH4-Deficient Hyperphenylalaninemia C; Hyperphenylalaninemia due to dihydropteridine reductase deficiency; Hyperphenylalaninemia, BH-4-deficient, C; Phenylketonuria type 2; DHPR DEFICIENCY. Identifiers: Orphanet 226, Orphanet 238583, MedGen C0268465, MONDO:0009862, OMIM 261630.

Allele frequency attached by ClinVar (database versions not stated): 1000 Genomes Project 0.23243; gnomAD 0.28366 and 0.28460; 1000 Genomes Project 30x 0.23251; TOPMed 0.26995; gnomAD exomes 0.23689.

Submissions (2):

Illumina Laboratory Services, Illumina
Classification: Benign for Dihydropteridine reductase deficiency. Last evaluated: 2018-01-13. Review status: criteria provided, single submitter. Criteria: ICSL Variant Classification Criteria 13 December 2019. Collection method: clinical testing. Allele origin: germline.
Comment: This variant was observed in the ICSL laboratory as part of a predisposition screen in an ostensibly healthy population. It had not been previously curated by ICSL or reported in the Human Gene Mutation Database (HGMD: prior to June 1st, 2018), and was therefore a candidate for classification through an automated scoring system. Utilizing variant allele frequency, disease prevalence and penetrance estimates, and inheritance mode, an automated score was calculated to assess if this variant is too frequent to cause the disease. Based on the score and internal cut-off values, a variant classified as benign is not then subjected to further curation. The score for this variant resulted in a classification of benign for this disease.

Breakthrough Genomics
Classification: Benign. Review status: criteria provided, single submitter. Criteria: ACMG Guidelines, 2015. Collection method: not provided. Allele origin: germline. Inheritance: Autosomal recessive inheritance. Affected: yes.

NM_000320.3(QDPR):c.*622T>C

Gene: QDPR (quinoid dihydropteridine reductase; minus strand). Cytogenetic location: 4p15.32.
Variant type: single nucleotide variant.
Coding change: c.*622T>C on transcript NM_000320.3 (MANE Select); 622 bases downstream of the stop codon, T replaced by C.
Molecular consequence: 3 prime UTR variant. On other transcripts: non-coding transcript variant (1).
Genome position (GRCh38, 1-based): chr4:17,486,509, A>G on the plus strand (T>C on the coding strand, the complement: QDPR is on the minus strand). VCF-style: chr4-17486509-A-G. GRCh37 (hg19) VCF-style: chr4-17488132-A-G.
Other names: c.*622T>C (NM_001306140.2).
Identifiers: ClinVar variation 348139 (VCV000348139.6), dbSNP rs10604, ClinGen allele CA10617444.